The following is an entry in ClinVar:

ClinVar aggregate classification (germline): Uncertain significance (1 of 4 stars; one submission).

Conditions:
Familial cancer of breast. Also called: BREAST CANCER, FAMILIAL; hereditary breast carcinoma; Hereditary breast cancer. Identifiers: Orphanet 227535, MedGen C0346153, MONDO:0016419, OMIM 114480. Disease mechanism: loss of function.

Submission:

Labcorp Genetics (formerly Invitae), Labcorp
Classification: Uncertain significance for Familial cancer of breast. Last evaluated: 2022-08-31. Review status: criteria provided, single submitter. Criteria: Invitae Variant Classification Sherloc (09022015). Collection method: clinical testing. Allele origin: germline.
Comment: In summary, the available evidence is currently insufficient to determine the role of this variant in disease. Therefore, it has been classified as a Variant of Uncertain Significance. Algorithms developed to predict the effect of missense changes on protein structure and function output the following: SIFT: "Tolerated"; PolyPhen-2: "Benign"; Align-GVGD: "Class C0". The alanine amino acid residue is found in multiple mammalian species, which suggests that this missense change does not adversely affect protein function. This variant has not been reported in the literature in individuals affected with PALB2-related conditions. This variant is not present in population databases (gnomAD no frequency). This sequence change replaces threonine, which is neutral and polar, with alanine, which is neutral and non-polar, at codon 96 of the PALB2 protein (p.Thr96Ala).

NM_024675.4(PALB2):c.286A>G (p.Thr96Ala)

Gene: PALB2 (partner and localizer of BRCA2; minus strand). Cytogenetic location: 16p12.2.
Variant type: single nucleotide variant.
Coding change: c.286A>G on transcript NM_024675.4 (MANE Select); coding-DNA position 286, A replaced by G.
Protein change: p.Thr96Ala; replaces threonine 96 with alanine.
Molecular consequence: missense variant.
Genome position (GRCh38, 1-based): chr16:23,636,260, T>C on the plus strand (A>G on the coding strand, the complement: PALB2 is on the minus strand). VCF-style: chr16-23636260-T-C. GRCh37 (hg19) VCF-style: chr16-23647581-T-C.
Other names: c.226A>G, p.Thr76Ala (NM_001407296.1); c.286A>G, p.Thr96Ala (NM_001407297.1, NM_001407298.1, NM_001407299.1 and 3 more transcripts); c.-600A>G (NM_001407304.1, NM_001407305.1, NM_001407306.1 and 5 more transcripts); short protein forms T76A, T96A.
Identifiers: ClinVar variation 1718428 (VCV001718428.5), dbSNP rs2142446940, ClinGen allele CA395138828.